The following is an entry in ClinVar:

NM_003542.4(H4C3):c.97C>G (p.Pro33Ala)

Gene: H4C3 (H4 clustered histone 3; plus strand). Cytogenetic location: 6p22.2.
Variant type: single nucleotide variant.
Coding change: c.97C>G on transcript NM_003542.4 (MANE Select); coding-DNA position 97, C replaced by G.
Protein change: p.Pro33Ala; replaces proline 33 with alanine.
Molecular consequence: missense variant.
Genome position (GRCh38, 1-based): chr6:26,104,044, C>G. VCF-style: chr6-26104044-C-G. GRCh37 (hg19) VCF-style: chr6-26104272-C-G.
Other names: short protein forms P33A.
Identifiers: ClinVar variation 4891305 (VCV004891305.1).
Genomic context (GRCh38, chr6:26,104,044, plus strand): 5'-AAGGGTGGTGCTAAGCGCCATCGTAAGGTGCTCCGGGATAACATCCAGGGCATTACAAAA[C>G]CGGCTATTCGCCGTTTGGCTCGGCGCGGTGGCGTCAAGCGCATTTCCGGTCTTATCTATG-3'
Protein context (NP_003533.1, residues 23-43): LRDNIQGITK[Pro33Ala]AIRRLARRGG

ClinVar aggregate classification (germline): Pathogenic (1 of 4 stars; one submission).

Submission:

GeneDx
Classification: Pathogenic. Last evaluated: 2026-03-01. Review status: criteria provided, single submitter. Criteria: GeneDx Variant Classification Process June 2021. Collection method: clinical testing. Allele origin: germline.
Comment: Not observed at significant frequency in large population cohorts (gnomAD); In silico analysis supports that this missense variant has a deleterious effect on protein structure/function; This variant is associated with the following publications: (PMID: 33057194, 35982159, 35202563)